The following is an entry in ClinVar:

ClinVar aggregate classification (germline): Benign/Likely benign. Review status: criteria provided, multiple submitters, no conflicts (2 of 4 stars). 4 submissions from 4 submitters: Benign (3); Likely benign (1). Last evaluated 2026-07-01.

Allele frequency attached by ClinVar (database versions not stated): 1000 Genomes Project 30x 0.00234; 1000 Genomes Project 0.00240; ExAC 0.00384; gnomAD exomes 0.00395; gnomAD 0.00411 and 0.00423; TOPMed 0.00462; ESP Exome Variant Server 0.00476.
gnomAD v4.1: 8,964 of 1,611,970 alleles (0.56%); highest among the groups gnomAD compares: Middle Eastern, 1.3%; 37 homozygotes.

Submissions (4):

CeGaT Center for Human Genetics Tuebingen
Classification: Likely benign. Last evaluated: 2026-07-01. Review status: criteria provided, single submitter. Criteria: CeGaT Center For Human Genetics Tuebingen Variant Classification Criteria Version 2. Collection method: clinical testing. Allele origin: germline. Affected: yes. Observed: 2 variant alleles.
Comment: CLTCL1: BP4, BP7, BS2

Mayo Clinic Laboratories, Mayo Clinic
Classification: Benign. Last evaluated: 2023-04-03. Review status: criteria provided, single submitter. Criteria: ACMG Guidelines, 2015. Collection method: clinical testing. Allele origin: germline. Observed: 11 variant alleles.
Comment: BS1, BS2, BP4, BP7

Labcorp Genetics (formerly Invitae), Labcorp
Classification: Benign. Last evaluated: 2019-12-31. Review status: criteria provided, single submitter. Criteria: Invitae Variant Classification Sherloc (09022015). Collection method: clinical testing. Allele origin: germline.

Breakthrough Genomics
Classification: Benign. Review status: criteria provided, single submitter. Criteria: ACMG Guidelines, 2015. Collection method: not provided. Allele origin: germline. Inheritance: Unknown mechanism. Affected: yes.

NM_007098.4(CLTCL1):c.513G>A (p.Ser171=)

Gene: CLTCL1 (clathrin heavy chain like 1; minus strand). Cytogenetic location: 22q11.21.
Variant type: single nucleotide variant.
Coding change: c.513G>A on transcript NM_007098.4 (MANE Select); coding-DNA position 513, G replaced by A.
Protein change: p.Ser171=; no amino-acid change (serine 171 retained).
Molecular consequence: synonymous variant.
Genome position (GRCh38, 1-based): chr22:19,253,965, C>T on the plus strand (G>A on the coding strand, the complement: CLTCL1 is on the minus strand). VCF-style: chr22-19253965-C-T. GRCh37 (hg19) VCF-style: chr22-19241488-C-T.
Other names: p.Ser171=; c.513G>A, p.Ser171= (NM_001835.4).
Identifiers: ClinVar variation 783079 (VCV000783079.23), dbSNP rs190950286, ClinGen allele CA10098980.